The following is an entry in ClinVar:

NM_000152.5(GAA):c.1411G>T (p.Glu471Ter)

Gene: GAA (alpha glucosidase; plus strand). Cytogenetic location: 17q25.3.
Variant type: single nucleotide variant.
Coding change: c.1411G>T on transcript NM_000152.5 (MANE Select); coding-DNA position 1411, G replaced by T.
Protein change: p.Glu471Ter; replaces glutamic acid 471 with a stop codon.
Molecular consequence: nonsense.
Genome position (GRCh38, 1-based): chr17:80,110,029, G>T. VCF-style: chr17-80110029-G-T. GRCh37 (hg19) VCF-style: chr17-78083828-G-T.
Other names: c.1411G>T, p.Glu471Ter (NM_001079803.3, NM_001079804.3, NM_001406741.1 and 1 more transcripts); short protein forms E471*.
Identifiers: ClinVar variation 4855433 (VCV004855433.2).

ClinVar aggregate classification (germline): Pathogenic. Review status: criteria provided, multiple submitters, no conflicts (2 of 4 stars). 2 submissions from 2 submitters: Pathogenic (2). Last evaluated 2026-07-01.

Conditions:
Glycogen storage disease, type II (IOPD). Also called: Pompe Disease; CARDIOMEGALIA GLYCOGENICA DIFFUSA; GLYCOGENOSIS, GENERALIZED, CARDIAC FORM; GSD II; POMPE DISEASE, INFANTILE-ONSET; GLYCOGEN STORAGE DISEASE II, INFANTILE-ONSET. Identifiers: Orphanet 365, MedGen C0017921, MONDO:0009290, OMIM 232300.

Submissions (2):

Genomenon, Inc
Classification: Pathogenic for Glycogen storage disease, type II. Last evaluated: 2026-07-01. Review status: criteria provided, single submitter. Criteria: Genomenon Sequence Variant Interpretation Standards - Updated. Collection method: curation. Allele origin: germline.
Comment: GAA p.Glu471Ter (c.1411G>T) is a nonsense variant that introduces a premature stop codon at amino acid position 471 and is predicted to result in a truncated or absent protein product. This variant has been reported in the compound heterozygous and/or homozygous state in at least one individual without a confirmed diagnosis of Pompe disease (PMID:34530085). It is absent or not present at a significant frequency in gnomAD. In conclusion, we classify GAA p.Glu471Ter (c.1411G>T) as a pathogenic variant.

3billion
Classification: Pathogenic for Glycogen storage disease, type II. Last evaluated: 2025-08-20. Review status: criteria provided, single submitter. Criteria: ACMG Guidelines, 2015. Collection method: clinical testing. Allele origin: germline. Affected: yes.
Comment: The variant is not observed in the gnomAD v4.1.0 dataset. Predicted Consequence/Location: Stop-gained (nonsense): predicted to result in a loss or disruption of normal protein function through nonsense-mediated decay (NMD) or protein truncation. Multiple pathogenic variants are reported downstream of the variant. The variant has been reported to be associated with GAA-related disorder (PMID: 34530085). Therefore, this variant is classified as Pathogenic according to the recommendation of ACMG/AMP guideline.

Literature cited by the submitters: PubMed 34530085 (cited by Genomenon, Inc and 3billion).